The following is an entry in ClinVar:

NM_001379500.1(COL18A1):c.3531C>T (p.Gly1177=)

Genes: COL18A1 (collagen type XVIII alpha 1 chain; plus strand), SLC19A1 (solute carrier family 19 member 1; minus strand). Cytogenetic location: 21q22.3.
Variant type: single nucleotide variant.
Coding change: c.3531C>T on transcript NM_001379500.1 (MANE Select); coding-DNA position 3531, C replaced by T.
Protein change: p.Gly1177=; no amino-acid change (glycine 1177 retained).
Molecular consequence: synonymous variant.
Genome position (GRCh38, 1-based): chr21:45,510,099, C>T. VCF-style: chr21-45510099-C-T. GRCh37 (hg19) VCF-style: chr21-46930013-C-T.
Other names: c.4062C>T, p.Gly1354= (NM_030582.4); c.4767C>T, p.Gly1589= (NM_130444.3); c.4062C>T (NM_030582.3).
Identifiers: ClinVar variation 1601171 (VCV001601171.34), dbSNP rs376208451, ClinGen allele CA10067943.

ClinVar aggregate classification (germline): Benign/Likely benign. Review status: criteria provided, multiple submitters, no conflicts (2 of 4 stars). 4 submissions from 4 submitters: Benign (1); Likely benign (3). Last evaluated 2026-02-01.

Conditions:
COL18A1-related disorder. Also called: COL18A1-related disorders; COL18A1-related condition.

Allele frequency attached by ClinVar (database versions not stated): 1000 Genomes Project 0.00020; ExAC 0.00043; 1000 Genomes Project 30x 0.00047.
gnomAD v4.1: 128 of 1,589,516 alleles (0.0081%); highest among the groups gnomAD compares: East Asian, 0.23%; no homozygotes.

Submissions (4):

Labcorp Genetics (formerly Invitae), Labcorp
Classification: Benign. Last evaluated: 2026-02-01. Review status: criteria provided, single submitter. Criteria: Invitae Variant Classification Sherloc (09022015). Collection method: clinical testing. Allele origin: germline.

PreventionGenetics, part of Exact Sciences
Classification: Likely benign for COL18A1-related condition. Last evaluated: 2024-12-05. Review status: criteria provided, single submitter. Criteria: ACMG Guidelines, 2015. Collection method: clinical testing. Allele origin: germline.
Comment: This variant is classified as likely benign based on ACMG/AMP sequence variant interpretation guidelines (Richards et al. 2015 PMID: 25741868, with internal and published modifications).

Blueprint Genetics
Classification: Likely benign. Last evaluated: 2024-09-10. Review status: criteria provided, single submitter. Criteria: ACMG Guidelines, 2015. Collection method: clinical testing. Allele origin: germline.

CeGaT Center for Human Genetics Tuebingen
Classification: Likely benign. Last evaluated: 2022-08-01. Review status: criteria provided, single submitter. Criteria: CeGaT Center For Human Genetics Tuebingen Variant Classification Criteria Version 2. Collection method: clinical testing. Allele origin: germline. Affected: yes. Observed: 1 variant allele.
Comment: COL18A1: BP4, BP7